The following is an entry in ClinVar:

ClinVar aggregate classification (germline): Benign/Likely benign. Review status: criteria provided, multiple submitters, no conflicts (2 of 4 stars). 6 submissions from 6 submitters: Benign (3); Likely benign (2). 1 of the submissions does not count toward it. Last evaluated 2026-01-31.

Conditions:
GNPTG-mucolipidosis. Also called: ML III GAMMA; ML IIIC; Mucolipidosis type III gamma; MUCOLIPIDOSIS III, COMPLEMENTATION GROUP C; MUCOLIPIDOSIS III, IRANIAN VARIANT FORM; MUCOLIPIDOSIS III, VARIANT FORM. Identifiers: Orphanet 423470, Orphanet 577, MedGen C1854896, MONDO:0009652, OMIM 252605.

Allele frequency attached by ClinVar (database versions not stated): gnomAD exomes 0.00027 and 0.00081; ExAC 0.00103; ESP Exome Variant Server 0.00308; gnomAD 0.00311 and 0.00332; TOPMed 0.00360; 1000 Genomes Project 0.00399; 1000 Genomes Project 30x 0.00437.
gnomAD v4.1: 909 of 1,613,756 alleles (0.056%); highest among the groups gnomAD compares: African/African-American, 1%; 5 homozygotes.

Submissions (6):

Labcorp Genetics (formerly Invitae), Labcorp
Classification: Benign. Last evaluated: 2026-01-31. Review status: criteria provided, single submitter. Criteria: Invitae Variant Classification Sherloc (09022015). Collection method: clinical testing. Allele origin: germline.

Blueprint Genetics
Classification: Likely benign. Last evaluated: 2024-11-25. Review status: criteria provided, single submitter. Criteria: ACMG Guidelines, 2015. Collection method: clinical testing. Allele origin: germline.

CeGaT Center for Human Genetics Tuebingen
Classification: Likely benign. Last evaluated: 2024-08-01. Review status: criteria provided, single submitter. Criteria: CeGaT Center For Human Genetics Tuebingen Variant Classification Criteria Version 2. Collection method: clinical testing. Allele origin: germline. Affected: yes. Observed: 2 variant alleles.
Comment: GNPTG: BP4, BS1

Genome-Nilou Lab
Classification: Benign for GNPTG-mucolipidosis. Last evaluated: 2021-11-07. Review status: criteria provided, single submitter. Criteria: ACMG Guidelines, 2015. Collection method: clinical testing. Allele origin: germline. Affected: no.

Illumina Laboratory Services, Illumina
Classification: Benign for GNPTG-mucolipidosis. Last evaluated: 2017-04-27. Review status: criteria provided, single submitter. Criteria: ICSL Variant Classification Criteria 13 December 2019. Collection method: clinical testing. Allele origin: germline.
Comment: This variant was observed as part of a predisposition screen in an ostensibly healthy population. A literature search was performed for the gene, cDNA change, and amino acid change (where applicable). No publications were found based on this search. Allele frequency data from public databases was too high to be consistent with this variant causing disease. Therefore, this variant is classified as benign.

Natera, Inc.
Classification: Benign for Mucolipidosis III gamma. Last evaluated: 2020-09-16. Review status: no assertion criteria provided. Collection method: clinical testing. Allele origin: germline. Not counted in ClinVar's aggregate classification.

NM_032520.5(GNPTG):c.910A>G (p.Ser304Gly)

Gene: GNPTG (N-acetylglucosamine-1-phosphate transferase subunit gamma; plus strand). Cytogenetic location: 16p13.3.
Variant type: single nucleotide variant.
Coding change: c.910A>G on transcript NM_032520.5 (MANE Select); coding-DNA position 910, A replaced by G.
Protein change: p.Ser304Gly; replaces serine 304 with glycine.
Molecular consequence: missense variant.
Genome position (GRCh38, 1-based): chr16:1,363,083, A>G. VCF-style: chr16-1363083-A-G. GRCh37 (hg19) VCF-style: chr16-1413084-A-G.
Other names: short protein forms S304G.
Identifiers: ClinVar variation 785775 (VCV000785775.42), dbSNP rs7187001, ClinGen allele CA7808031.